The following is an entry in ClinVar:

NM_001101362.3(KBTBD13):c.429T>C (p.Pro143=)

Gene: KBTBD13 (kelch repeat and BTB domain containing 13; plus strand). Cytogenetic location: 15q22.31.
Variant type: single nucleotide variant.
Coding change: c.429T>C on transcript NM_001101362.3 (MANE Select); coding-DNA position 429, T replaced by C.
Protein change: p.Pro143=; no amino-acid change (proline 143 retained).
Molecular consequence: synonymous variant.
Genome position (GRCh38, 1-based): chr15:65,077,244, T>C. VCF-style: chr15-65077244-T-C. GRCh37 (hg19) VCF-style: chr15-65369582-T-C.
Identifiers: ClinVar variation 387569 (VCV000387569.11), dbSNP rs1057522825, ClinGen allele CA16606996.

ClinVar aggregate classification (germline): Likely benign. Review status: criteria provided, multiple submitters, no conflicts (2 of 4 stars). 2 submissions from 2 submitters: Likely benign (2). Last evaluated 2025-01-18.

Conditions:
Nemaline myopathy 6 (NEM6). Also called: Nemaline myopathy 6, autosomal dominant. Identifiers: Orphanet 171439, MedGen C1836472, MONDO:0012237, OMIM 609273.

Allele frequency attached by ClinVar (database versions not stated): TOPMed 0.00001; gnomAD exomes 0.00005.

Submissions (2):

Labcorp Genetics (formerly Invitae), Labcorp
Classification: Likely benign for Nemaline myopathy 6. Last evaluated: 2025-01-18. Review status: criteria provided, single submitter. Criteria: Invitae Variant Classification Sherloc (09022015). Collection method: clinical testing. Allele origin: germline.

GeneDx
Classification: Likely benign. Last evaluated: 2016-07-26. Review status: criteria provided, single submitter. Criteria: GeneDx Variant Classification (06012015). Collection method: clinical testing. Allele origin: germline. Affected: yes.
Comment: This variant is considered likely benign or benign based on one or more of the following criteria: it is a conservative change, it occurs at a poorly conserved position in the protein, it is predicted to be benign by multiple in silico algorithms, and/or has population frequency not consistent with disease.